The following is an entry in ClinVar:

ClinVar aggregate classification (germline): Uncertain significance. Review status: criteria provided, multiple submitters, no conflicts (2 of 4 stars). 2 submissions from 2 submitters: Uncertain significance (2). Last evaluated 2025-11-23.

Submissions (2):

Labcorp Genetics (formerly Invitae), Labcorp
Classification: Uncertain significance. Last evaluated: 2025-11-23. Review status: criteria provided, single submitter. Criteria: Invitae Variant Classification Sherloc (09022015). Collection method: clinical testing. Allele origin: germline.
Comment: This sequence change replaces aspartic acid, which is acidic and polar, with glycine, which is neutral and non-polar, at codon 309 of the EGF protein (p.Asp309Gly). This variant is present in population databases (rs758238904, gnomAD 0.01%). This variant has not been reported in the literature in individuals affected with EGF-related conditions. An algorithm developed to predict the effect of missense changes on protein structure and function outputs the following: PolyPhen-2: "Benign". The glycine amino acid residue is found in multiple mammalian species, which suggests that this missense change does not adversely affect protein function. In summary, the available evidence is currently insufficient to determine the role of this variant in disease. Therefore, it has been classified as a Variant of Uncertain Significance.

Mayo Clinic Laboratories, Mayo Clinic
Classification: Uncertain significance. Last evaluated: 2025-11-06. Review status: criteria provided, single submitter. Criteria: ACMG Guidelines, 2015. Collection method: clinical testing. Allele origin: germline. Observed: 1 variant allele.
Comment: BP4

NM_001963.6(EGF):c.926A>G (p.Asp309Gly)

Gene: EGF (epidermal growth factor; plus strand). Cytogenetic location: 4q25.
Variant type: single nucleotide variant.
Coding change: c.926A>G on transcript NM_001963.6 (MANE Select); coding-DNA position 926, A replaced by G.
Protein change: p.Asp309Gly; replaces aspartic acid 309 with glycine.
Molecular consequence: missense variant.
Genome position (GRCh38, 1-based): chr4:109,945,261, A>G. VCF-style: chr4-109945261-A-G. GRCh37 (hg19) VCF-style: chr4-110866417-A-G.
Other names: p.Asp309Gly; c.926A>G, p.Asp309Gly (NM_001178130.3, NM_001178131.3, NM_001357021.2); short protein forms D309G.
Identifiers: ClinVar variation 4540994 (VCV004540994.2).